The following is an entry in ClinVar:

ClinVar aggregate classification (germline): Uncertain significance (1 of 4 stars; one submission).

Allele frequency attached by ClinVar (database versions not stated): gnomAD exomes below 0.00001; gnomAD 0.00003; TOPMed 0.00004.
gnomAD v4.1: 7 of 1,603,900 alleles (0.00044%); highest among the groups gnomAD compares: African/African-American, 0.0054%; no homozygotes.

Submission:

Labcorp Genetics (formerly Invitae), Labcorp
Classification: Uncertain significance. Last evaluated: 2023-09-10. Review status: criteria provided, single submitter. Criteria: Invitae Variant Classification Sherloc (09022015). Collection method: clinical testing. Allele origin: germline.
Comment: In summary, the available evidence is currently insufficient to determine the role of this variant in disease. Therefore, it has been classified as a Variant of Uncertain Significance. An algorithm developed to predict the effect of missense changes on protein structure and function (PolyPhen-2) suggests that this variant is likely to be disruptive. This variant has not been reported in the literature in individuals affected with CEP250-related conditions. The frequency data for this variant in the population databases is considered unreliable, as metrics indicate poor data quality at this position in the gnomAD database. This sequence change replaces glutamic acid, which is acidic and polar, with glycine, which is neutral and non-polar, at codon 156 of the CEP250 protein (p.Glu156Gly).

NM_007186.6(CEP250):c.467A>G (p.Glu156Gly)

Gene: CEP250 (centrosomal protein 250; plus strand). Cytogenetic location: 20q11.22.
Variant type: single nucleotide variant.
Coding change: c.467A>G on transcript NM_007186.6 (MANE Select); coding-DNA position 467, A replaced by G.
Protein change: p.Glu156Gly; replaces glutamic acid 156 with glycine.
Molecular consequence: missense variant. On other transcripts: 5 prime UTR variant (1).
Genome position (GRCh38, 1-based): chr20:35,466,179, A>G. VCF-style: chr20-35466179-A-G. GRCh37 (hg19) VCF-style: chr20-34054004-A-G.
Other names: c.-1433A>G (NM_001318219.1); short protein forms E156G.
Identifiers: ClinVar variation 2992897 (VCV002992897.3), dbSNP rs1056612522, ClinGen allele CA314146575.